The following is an entry in ClinVar:

ClinVar aggregate classification (germline): Uncertain significance. Review status: criteria provided, multiple submitters, no conflicts (2 of 4 stars). 2 submissions from 2 submitters: Uncertain significance (2). Last evaluated 2026-07-01.

Conditions:
Hereditary cancer-predisposing syndrome. Also called: Tumor predisposition; Hereditary neoplastic syndrome; Hereditary Cancer Syndrome; Neoplastic Syndromes, Hereditary. Identifiers: Orphanet 140162, MedGen C0027672, MeSH D009386, MONDO:0015356.
Hereditary nonpolyposis colorectal neoplasms. Identifiers: MedGen C0009405, MeSH D003123.

Submissions (2):

Ambry Genetics
Classification: Uncertain significance for Hereditary cancer-predisposing syndrome. Last evaluated: 2026-07-01. Review status: criteria provided, single submitter. Criteria: Ambry Variant Classification Scheme 2023. Collection method: clinical testing. Allele origin: germline.
Comment: The p.Q288E variant (also known as c.862C>G), located in coding exon 8 of the PMS2 gene, results from a C to G substitution at nucleotide position 862. The glutamine at codon 288 is replaced by glutamic acid, an amino acid with highly similar properties. This amino acid position is conserved. In addition, this alteration is predicted to be deleterious by in silico analysis. Based on the available evidence, the clinical significance of this variant remains unclear.

Labcorp Genetics (formerly Invitae), Labcorp
Classification: Uncertain significance for Hereditary nonpolyposis colorectal neoplasms. Last evaluated: 2024-08-01. Review status: criteria provided, single submitter. Criteria: Invitae Variant Classification Sherloc (09022015). Collection method: clinical testing. Allele origin: germline.
Comment: This sequence change replaces glutamine, which is neutral and polar, with glutamic acid, which is acidic and polar, at codon 288 of the PMS2 protein (p.Gln288Glu). This variant is not present in population databases (gnomAD no frequency). This variant has not been reported in the literature in individuals affected with PMS2-related conditions. Advanced modeling of protein sequence and biophysical properties (such as structural, functional, and spatial information, amino acid conservation, physicochemical variation, residue mobility, and thermodynamic stability) performed at Invitae indicates that this missense variant is expected to disrupt PMS2 protein function with a positive predictive value of 80%. In summary, the available evidence is currently insufficient to determine the role of this variant in disease. Therefore, it has been classified as a Variant of Uncertain Significance.

NM_000535.7(PMS2):c.862C>G (p.Gln288Glu)

Gene: PMS2 (PMS1 homolog 2, mismatch repair system component; minus strand). Cytogenetic location: 7p22.1.
Variant type: single nucleotide variant.
Coding change: c.862C>G on transcript NM_000535.7 (MANE Select); coding-DNA position 862, C replaced by G.
Protein change: p.Gln288Glu; replaces glutamine 288 with glutamic acid.
Molecular consequence: missense variant. On other transcripts: non-coding transcript variant (1), intron variant (4), 5 prime UTR variant (2).
Genome position (GRCh38, 1-based): chr7:5,995,575, G>C on the plus strand (C>G on the coding strand, the complement: PMS2 is on the minus strand). VCF-style: chr7-5995575-G-C. GRCh37 (hg19) VCF-style: chr7-6035206-G-C.
Other names: c.457C>G, p.Gln153Glu (NM_001406892.1, NM_001406893.1, NM_001406894.1 and 19 more transcripts); c.862C>G, p.Gln288Glu (NM_001406871.1, NM_001406872.1, NM_001322006.2 and 2 more transcripts); c.694C>G, p.Gln232Glu (NM_001406874.1, NM_001406884.1); c.553C>G, p.Gln185Glu (NM_001406875.1, NM_001406877.1, NM_001406878.1 and 6 more transcripts); c.544C>G, p.Gln182Glu (NM_001406876.1, NM_001406883.1, NM_001406901.1 and 4 more transcripts); c.526C>G, p.Gln176Glu (NM_001406885.1); c.349C>G, p.Gln117Glu (NM_001406904.1, NM_001406905.1); c.289C>G, p.Gln97Glu (NM_001406909.1, NM_001322013.2); and 8 more; short protein forms Q153E, Q232E, Q185E, Q288E, Q350E, Q97E, Q117E, Q176E.
Identifiers: ClinVar variation 3644197 (VCV003644197.3).